The following is an entry in ClinVar:

NM_021871.4(FGA):c.1895T>A (p.Ile632Asn)

Gene: FGA (fibrinogen alpha chain; minus strand). Cytogenetic location: 4q31.3.
Variant type: single nucleotide variant.
Coding change: c.1895T>A on transcript NM_021871.4 (MANE Select); coding-DNA position 1895, T replaced by A.
Protein change: p.Ile632Asn; replaces isoleucine 632 with asparagine.
Molecular consequence: missense variant. On other transcripts: intron variant (1).
Genome position (GRCh38, 1-based): chr4:154,585,534, A>T on the plus strand (T>A on the coding strand, the complement: FGA is on the minus strand). VCF-style: chr4-154585534-A-T. GRCh37 (hg19) VCF-style: chr4-155506686-A-T.
Other names: c.1891+4T>A (NM_000508.5); short protein forms I632N.
Identifiers: ClinVar variation 2636445 (VCV002636445.1), dbSNP rs747439072, ClinGen allele CA3115011.
Genomic context (GRCh38, chr4:154,585,534, plus strand): 5'-GCAGAAATATTTAACTTAGTCTAGGGGGACAGGGAAGGCTTCCCCAAAGGAGAAGTGTGG[A>T]TACCTCTGACAGGGCGAGATTTAGCATGGCCTCTCTTGGTGCTATGTGTTCCTTCATGAT-3'
Protein context (NP_068657.1, residues 622-642): GHAKSRPVRG[Ile632Asn]HTSPLGKPSL

ClinVar aggregate classification (germline): Uncertain significance (1 of 4 stars; one submission).

Conditions:
FGA-related disorder. Also called: FGA-related condition; FGA-related disorders.

Submission:

PreventionGenetics, part of Exact Sciences
Classification: Uncertain significance for FGA-related condition. Last evaluated: 2022-09-02. Review status: criteria provided, single submitter. Criteria: ACMG Guidelines, 2015. Collection method: clinical testing. Allele origin: germline.
Comment: The FGA c.1895T>A variant is predicted to result in the amino acid substitution p.Ile632Asn. To our knowledge, this variant has not been reported in the literature. This variant is reported in 0.0054% of alleles in individuals of East Asian descent in gnomAD. At this time, the clinical significance of this variant is uncertain due to the absence of conclusive functional and genetic evidence.